The following is an entry in ClinVar:

ClinVar aggregate classification (germline): Uncertain significance. Review status: criteria provided, multiple submitters, no conflicts (2 of 4 stars). 7 submissions from 7 submitters: Uncertain significance (4). 3 of the submissions do not count toward it. Last evaluated 2025-05-16.

Conditions:
Long QT syndrome (LQTS). Identifiers: MedGen C0023976, MeSH D008133, MONDO:0002442. Disease mechanism: loss of function. Inheritance: Various modes of inheritance.
Cardiovascular phenotype. Identifiers: MedGen CN230736.
Dilated cardiomyopathy 1C (CMD1C). Also called: Cardiomyopathy, dilated, 1C, with or without LVNC; CARDIOMYOPATHY, DILATED, 1C, WITH OR WITHOUT LEFT VENTRICULAR NONCOMPACTION. Identifiers: Orphanet 154, Orphanet 54260, MedGen C1832244, MONDO:0011094, OMIM 601493.
Myofibrillar myopathy 4. Also called: Zaspopathy (type). Identifiers: Orphanet 98912, MedGen C4721886, MONDO:0012277, OMIM 609452.

Allele frequency attached by ClinVar (database versions not stated): ESP Exome Variant Server 0.00008; gnomAD exomes 0.00001; ExAC 0.00001.
gnomAD v4.1: 12 of 1,614,064 alleles (0.00074%); highest among the groups gnomAD compares: Middle Eastern, 0.016%; no homozygotes.

Submissions (7):

Labcorp Genetics (formerly Invitae), Labcorp
Classification: Uncertain significance for Myofibrillar myopathy 4. Last evaluated: 2025-05-16. Review status: criteria provided, single submitter. Criteria: Invitae Variant Classification Sherloc (09022015). Collection method: clinical testing. Allele origin: germline.
Comment: This sequence change replaces alanine, which is neutral and non-polar, with threonine, which is neutral and polar, at codon 201 of the LDB3 protein (p.Ala201Thr). This variant is present in population databases (rs369419493, gnomAD 0.002%). This variant has not been reported in the literature in individuals affected with LDB3-related conditions. ClinVar contains an entry for this variant (Variation ID: 1174716). An algorithm developed to predict the effect of missense changes on protein structure and function (PolyPhen-2) suggests that this variant is likely to be disruptive. In summary, the available evidence is currently insufficient to determine the role of this variant in disease. Therefore, it has been classified as a Variant of Uncertain Significance.

Ambry Genetics
Classification: Uncertain significance for Cardiovascular phenotype. Last evaluated: 2025-04-13. Review status: criteria provided, single submitter. Criteria: Ambry Variant Classification Scheme 2023. Collection method: clinical testing. Allele origin: germline.

Dept of Medical Biology, Uskudar University
Classification: Uncertain significance for Long QT syndrome. Last evaluated: 2024-01-08. Review status: criteria provided, single submitter. Criteria: Dept of Medical Biology Variant Classification. Collection method: research. Allele origin: biparental. Affected: yes. Observed: 1 variant allele.
Comment: Criteria: PM2

Fulgent Genetics
Classification: Uncertain significance for Dilated cardiomyopathy 1C; Myofibrillar myopathy 4. Last evaluated: 2021-10-01. Review status: criteria provided, single submitter. Criteria: ACMG Guidelines, 2015. Collection method: clinical testing. Allele origin: unknown.

Clinical Genetics DNA and cytogenetics Diagnostics Lab, Erasmus MC, Erasmus Medical Center
Classification: Uncertain significance. Review status: no assertion criteria provided. Collection method: clinical testing. Allele origin: germline. Affected: yes. Study: VKGL Data-share Consensus. Not counted in ClinVar's aggregate classification.

Diagnostic Laboratory, Department of Genetics, University Medical Center Groningen
Classification: Uncertain significance. Review status: no assertion criteria provided. Collection method: clinical testing. Allele origin: germline. Affected: yes. Study: VKGL Data-share Consensus. Not counted in ClinVar's aggregate classification.

Genome Diagnostics Laboratory, Amsterdam University Medical Center
Classification: Uncertain significance. Review status: no assertion criteria provided. Collection method: clinical testing. Allele origin: germline. Affected: yes. Study: VKGL Data-share Consensus. Not counted in ClinVar's aggregate classification.

NM_007078.3(LDB3):c.742G>A (p.Ala248Thr)

Gene: LDB3 (LIM domain binding 3; plus strand). Cytogenetic location: 10q23.2.
Variant type: single nucleotide variant.
Coding change: c.742G>A on transcript NM_007078.3 (MANE Select); coding-DNA position 742, G replaced by A.
Protein change: p.Ala248Thr; replaces alanine 248 with threonine.
Molecular consequence: missense variant.
Genome position (GRCh38, 1-based): chr10:86,691,948, G>A. VCF-style: chr10-86691948-G-A. GRCh37 (hg19) VCF-style: chr10-88451705-G-A.
Other names: c.601G>A, p.Ala201Thr (NM_001080114.2, NM_001080116.1, NM_001368066.1 and 2 more transcripts); c.742G>A, p.Ala248Thr (NM_001080115.2, NM_001368063.1, NM_001368064.1 and 1 more transcripts); c.946G>A, p.Ala316Thr (NM_001171610.2, NM_001171611.2); c.742G>A (NM_007078.2); short protein forms A201T, A248T, A316T.
Identifiers: ClinVar variation 1174716 (VCV001174716.14), dbSNP rs369419493, ClinGen allele CA5584884.